The following is an entry in ClinVar:

ClinVar aggregate classification (germline): Uncertain significance. Review status: criteria provided, single submitter (1 of 4 stars). 2 submissions from 2 submitters: Uncertain significance (1). 1 of the submissions does not count toward it. Last evaluated 2021-08-31.

Conditions:
Developmental and epileptic encephalopathy. Identifiers: MedGen C5779964, MONDO:0100620.
Intellectual disability. Also called: Intellectual functioning disability; intellectual disabilities; Intellectual developmental disorder. Identifiers: MedGen C3714756, MeSH D008607, MONDO:0001071, HP:0001249.

Allele frequency attached by ClinVar (database versions not stated): gnomAD 0.00003; TOPMed 0.00008.
gnomAD v4.1: 33 of 1,613,974 alleles (0.002%); highest among the groups gnomAD compares: African/African-American, 0.02%; no homozygotes.

Submissions (2):

Labcorp Genetics (formerly Invitae), Labcorp
Classification: Uncertain significance for Early-infantile DEE. Last evaluated: 2021-08-31. Review status: criteria provided, single submitter. Criteria: Invitae Variant Classification Sherloc (09022015). Collection method: clinical testing. Allele origin: germline.
Comment: This sequence change replaces arginine with histidine at codon 115 of the ST3GAL3 protein (p.Arg115His). The arginine residue is moderately conserved and there is a small physicochemical difference between arginine and histidine. This variant is present in population databases (rs767108992, ExAC 0.03%). This variant has not been reported in the literature in individuals affected with ST3GAL3-related conditions. ClinVar contains an entry for this variant (Variation ID: 408897). Algorithms developed to predict the effect of missense changes on protein structure and function are either unavailable or do not agree on the potential impact of this missense change (SIFT: "Deleterious"; PolyPhen-2: "Possibly Damaging"; Align-GVGD: "Class C0"). In summary, the available evidence is currently insufficient to determine the role of this variant in disease. Therefore, it has been classified as a Variant of Uncertain Significance.

Centre de Biologie Pathologie Génétique, Centre Hospitalier Universitaire de Lille
Classification: Uncertain significance for Intellectual disability. Last evaluated: 2019-01-01. Review status: no assertion criteria provided. Collection method: clinical testing. Allele origin: unknown. Affected: yes. Not counted in ClinVar's aggregate classification.

NM_006279.5(ST3GAL3):c.344G>A (p.Arg115His)

Gene: ST3GAL3 (ST3 beta-galactoside alpha-2,3-sialyltransferase 3; plus strand). Cytogenetic location: 1p34.1.
Variant type: single nucleotide variant.
Coding change: c.344G>A on transcript NM_006279.5 (MANE Select); coding-DNA position 344, G replaced by A.
Protein change: p.Arg115His; replaces arginine 115 with histidine.
Molecular consequence: missense variant. On other transcripts: non-coding transcript variant (8), intron variant (1).
Genome position (GRCh38, 1-based): chr1:43,894,424, G>A. VCF-style: chr1-43894424-G-A. GRCh37 (hg19) VCF-style: chr1-44360096-G-A.
Other names: c.344G>A, p.Arg115His (NM_001270459.2, NM_001350620.2, NM_174966.4 and 1 more transcripts); c.251G>A, p.Arg84His (NM_001270460.2); c.296G>A, p.Arg99His (NM_001270461.3, NM_001270464.3, NM_174969.4 and 1 more transcripts); c.203G>A, p.Arg68His (NM_001270462.3); c.341G>A, p.Arg114His (NM_001270463.3, NM_001270465.3); c.389G>A, p.Arg130His (NM_001350619.2, NM_174964.4, NM_174965.4); c.65G>A, p.Arg22His (NM_001350621.2); c.506G>A, p.Arg169His (NM_001363573.2, NM_174968.5); and 3 more; short protein forms R184H, R115H, R130H, R22H, R84H, R99H, R114H, R169H.
Identifiers: ClinVar variation 408897 (VCV000408897.8), dbSNP rs767108992, ClinGen allele CA814657.
Genomic context (GRCh38, chr1:43,894,424, plus strand): 5'-CAGTCCTGTTATATTCCAGGTTCTCCAAGCCAGCACCCATGTTCCTGGATGACTCCTTTC[G>A]CAAGTGGGCTAGAATCCGGGAGTTCGTGCCGCCTTTTGGGATCAAAGGTCAAGGTATGTT-3'
Protein context (NP_006270.1, residues 105-125): PAPMFLDDSF[Arg115His]KWARIREFVP